The following is an entry in ClinVar:

ClinVar aggregate classification (germline): Benign/Likely benign. Review status: criteria provided, multiple submitters, no conflicts (2 of 4 stars). 3 submissions from 3 submitters: Benign (1); Likely benign (1). 1 of the submissions does not count toward it. Last evaluated 2026-07-01.

Conditions:
SLC10A7-related disorder. Also called: SLC10A7-related condition.

Allele frequency attached by ClinVar (database versions not stated): ESP Exome Variant Server 0.00023; TOPMed 0.00027; gnomAD 0.00036; gnomAD exomes 0.00067; ExAC 0.00132; 1000 Genomes Project 30x 0.00187; 1000 Genomes Project 0.00200.
gnomAD v4.1: 1,055 of 1,611,170 alleles (0.065%); highest among the groups gnomAD compares: South Asian, 0.79%; 12 homozygotes.

Submissions (3):

CeGaT Center for Human Genetics Tuebingen
Classification: Likely benign. Last evaluated: 2026-07-01. Review status: criteria provided, single submitter. Criteria: CeGaT Center For Human Genetics Tuebingen Variant Classification Criteria Version 2. Collection method: clinical testing. Allele origin: germline. Affected: yes. Observed: 3 variant alleles.
Comment: SLC10A7: BP4

Labcorp Genetics (formerly Invitae), Labcorp
Classification: Benign. Last evaluated: 2025-07-06. Review status: criteria provided, single submitter. Criteria: Invitae Variant Classification Sherloc (09022015). Collection method: clinical testing. Allele origin: germline.

PreventionGenetics, part of Exact Sciences
Classification: Benign for SLC10A7-related condition. Last evaluated: 2019-07-25. Review status: no assertion criteria provided. Collection method: clinical testing. Allele origin: germline. Not counted in ClinVar's aggregate classification.
Comment: This variant is classified as benign based on ACMG/AMP sequence variant interpretation guidelines (Richards et al. 2015 PMID: 25741868, with internal and published modifications).

NM_001029998.6(SLC10A7):c.613A>G (p.Ile205Val)

Gene: SLC10A7 (solute carrier family 10 member 7; minus strand). Cytogenetic location: 4q31.22.
Variant type: single nucleotide variant.
Coding change: c.613A>G on transcript NM_001029998.6 (MANE Select); coding-DNA position 613, A replaced by G.
Protein change: p.Ile205Val; replaces isoleucine 205 with valine.
Molecular consequence: missense variant.
Genome position (GRCh38, 1-based): chr4:146,294,038, T>C on the plus strand (A>G on the coding strand, the complement: SLC10A7 is on the minus strand). VCF-style: chr4-146294038-T-C. GRCh37 (hg19) VCF-style: chr4-147215190-T-C.
Other names: c.613A>G (NM_001300842.2); c.613A>G, p.Ile205Val (NM_001300842.3); c.574A>G, p.Ile192Val (NM_001317816.2); short protein forms I192V, I205V.
Identifiers: ClinVar variation 2198698 (VCV002198698.29), dbSNP rs201948152, ClinGen allele CA3096741.